The following is an entry in ClinVar:

NM_025074.7(FRAS1):c.6569C>T (p.Ser2190Phe)

Gene: FRAS1 (Fraser extracellular matrix complex subunit 1; plus strand). Cytogenetic location: 4q21.21.
Variant type: single nucleotide variant.
Coding change: c.6569C>T on transcript NM_025074.7 (MANE Select); coding-DNA position 6569, C replaced by T.
Protein change: p.Ser2190Phe; replaces serine 2190 with phenylalanine.
Molecular consequence: missense variant.
Genome position (GRCh38, 1-based): chr4:78,451,877, C>T. VCF-style: chr4-78451877-C-T. GRCh37 (hg19) VCF-style: chr4-79373031-C-T.
Other names: short protein forms S2190F.
Identifiers: ClinVar variation 349736 (VCV000349736.36), dbSNP rs200166354, ClinGen allele CA2977821.

ClinVar aggregate classification (germline): Conflicting classifications of pathogenicity. Review status: criteria provided, conflicting classifications (1 of 4 stars). 4 submissions from 4 submitters: Uncertain significance (1); Benign (1); Likely benign (2). Last evaluated 2025-12-08.

Conditions:
Fraser syndrome 1 (FRASRS1). Also called: CRYPTOPHTHALMOS WITH OTHER MALFORMATIONS. Identifiers: Orphanet 2052, MedGen C4551480, MONDO:0054737, OMIM 219000.

Allele frequency attached by ClinVar (database versions not stated): 1000 Genomes Project 30x 0.00062; gnomAD 0.00017 and 0.00021; gnomAD exomes 0.00019 and 0.00044; ESP Exome Variant Server 0.00025; TOPMed 0.00027; ExAC 0.00041; 1000 Genomes Project 0.00060.
gnomAD v4.1: 309 of 1,612,126 alleles (0.019%); highest among the groups gnomAD compares: East Asian, 0.31%; 1 homozygote.

Submissions (4):

Labcorp Genetics (formerly Invitae), Labcorp
Classification: Benign. Last evaluated: 2025-12-08. Review status: criteria provided, single submitter. Criteria: Invitae Variant Classification Sherloc (09022015). Collection method: clinical testing. Allele origin: germline.

CeGaT Center for Human Genetics Tuebingen
Classification: Likely benign. Last evaluated: 2024-01-01. Review status: criteria provided, single submitter. Criteria: CeGaT Center For Human Genetics Tuebingen Variant Classification Criteria Version 2. Collection method: clinical testing. Allele origin: germline. Affected: yes. Observed: 1 variant allele.
Comment: FRAS1: BP4

Department of Pathology and Laboratory Medicine, Sinai Health System
Classification: Likely benign for Fraser syndrome 1. Last evaluated: 2021-07-30. Review status: criteria provided, single submitter. Criteria: ACMG Guidelines, 2015. Collection method: research. Allele origin: germline.

Illumina Laboratory Services, Illumina
Classification: Uncertain significance for Fraser syndrome 1. Last evaluated: 2018-01-13. Review status: criteria provided, single submitter. Criteria: ICSL Variant Classification Criteria 13 December 2019. Collection method: clinical testing. Allele origin: germline.